The following is an entry in ClinVar:

NM_000179.3(MSH6):c.459T>C (p.Gly153=)

Gene: MSH6 (mutS homolog 6; plus strand). Cytogenetic location: 2p16.3.
Variant type: single nucleotide variant.
Coding change: c.459T>C on transcript NM_000179.3 (MANE Select); coding-DNA position 459, T replaced by C.
Protein change: p.Gly153=; no amino-acid change (glycine 153 retained).
Molecular consequence: synonymous variant. On other transcripts: 5 prime UTR variant (5), non-coding transcript variant (5), intron variant (8).
Genome position (GRCh38, 1-based): chr2:47,795,895, T>C. VCF-style: chr2-47795895-T-C. GRCh37 (hg19) VCF-style: chr2-48023034-T-C.
Other names: c.-444T>C (NM_001281494.2); c.555T>C, p.Gly185= (NM_001406795.1, NM_001406802.1); c.459T>C, p.Gly153= (NM_001406796.1, NM_001406798.1, NM_001406800.1 and 5 more transcripts); c.162T>C, p.Gly54= (NM_001406797.1, NM_001406801.1, NM_001406805.1 and 10 more transcripts); c.-67T>C (NM_001406799.1, NM_001406806.1, NM_001406807.1); c.381T>C, p.Gly127= (NM_001406804.1); c.465T>C, p.Ser155= (NM_001406813.1); c.-536T>C (NM_001406814.1); and 3 more.
Identifiers: ClinVar variation 3903549 (VCV003903549.1).

ClinVar aggregate classification (germline): Benign (1 of 4 stars; one submission).

Conditions:
Lynch syndrome 5 (LYNCH5). Also called: Colorectal cancer, hereditary nonpolyposis, type 5; Hereditary non-polyposis colorectal cancer, type 5. Identifiers: Orphanet 144, MedGen C1833477, MONDO:0013710, OMIM 614350. Disease mechanism: loss of function.

Submission:

Myriad Genetics, Inc.
Classification: Benign for Lynch syndrome 5. Last evaluated: 2024-12-18. Review status: criteria provided, single submitter. Criteria: Myriad Autosomal Dominant, Autosomal Recessive and X-Linked Classification Criteria (2023). Collection method: clinical testing. Allele origin: unknown.
Comment: This variant is considered benign. This variant is a silent/synonymous amino acid change and it is not expected to impact splicing.